The following is an entry in ClinVar:

ClinVar aggregate classification (germline): Uncertain significance (1 of 4 stars; one submission).

Submission:

Labcorp Genetics (formerly Invitae), Labcorp
Classification: Uncertain significance. Last evaluated: 2022-02-10. Review status: criteria provided, single submitter. Criteria: Invitae Variant Classification Sherloc (09022015). Collection method: clinical testing. Allele origin: germline.
Comment: In summary, the available evidence is currently insufficient to determine the role of this variant in disease. Therefore, it has been classified as a Variant of Uncertain Significance. This sequence change replaces leucine, which is neutral and non-polar, with proline, which is neutral and non-polar, at codon 361 of the HOXA13 protein (p.Leu361Pro). This variant is not present in population databases (gnomAD no frequency). This variant has not been reported in the literature in individuals affected with HOXA13-related conditions. Algorithms developed to predict the effect of missense changes on protein structure and function (SIFT, PolyPhen-2, Align-GVGD) all suggest that this variant is likely to be disruptive.

NM_000522.5(HOXA13):c.1082T>C (p.Leu361Pro)

Gene: HOXA13 (homeobox A13; minus strand). Cytogenetic location: 7p15.2.
Variant type: single nucleotide variant.
Coding change: c.1082T>C on transcript NM_000522.5 (MANE Select); coding-DNA position 1082, T replaced by C.
Protein change: p.Leu361Pro; replaces leucine 361 with proline.
Molecular consequence: missense variant.
Genome position (GRCh38, 1-based): chr7:27,198,283, A>G on the plus strand (T>C on the coding strand, the complement: HOXA13 is on the minus strand). VCF-style: chr7-27198283-A-G. GRCh37 (hg19) VCF-style: chr7-27237902-A-G.
Other names: short protein forms L361P.
Identifiers: ClinVar variation 2096016 (VCV002096016.4), dbSNP rs2115471201, ClinGen allele CA367069710.